The following is an entry in ClinVar:

NM_033026.6(PCLO):c.9856T>C (p.Leu3286=)

Gene: PCLO (piccolo presynaptic cytomatrix protein; minus strand). Cytogenetic location: 7q21.11.
Variant type: single nucleotide variant.
Coding change: c.9856T>C on transcript NM_033026.6 (MANE Select); coding-DNA position 9856, T replaced by C.
Protein change: p.Leu3286=; no amino-acid change (leucine 3286 retained).
Molecular consequence: synonymous variant.
Genome position (GRCh38, 1-based): chr7:82,950,732, A>G on the plus strand (T>C on the coding strand, the complement: PCLO is on the minus strand). VCF-style: chr7-82950732-A-G. GRCh37 (hg19) VCF-style: chr7-82580048-A-G.
Other names: c.9856T>C, p.Leu3286= (NM_014510.3); c.9856T>C (NM_033026.5).
Identifiers: ClinVar variation 1593404 (VCV001593404.10), dbSNP rs749093553, ClinGen allele CA4319837.

ClinVar aggregate classification (germline): Likely benign. Review status: criteria provided, single submitter (1 of 4 stars). 2 submissions from 2 submitters: Likely benign (1). 1 of the submissions does not count toward it. Last evaluated 2026-01-13.

Conditions:
PCLO-related disorder. Also called: PCLO-related condition.

Allele frequency attached by ClinVar (database versions not stated): gnomAD exomes 0.00003 and 0.00006; ExAC 0.00006; gnomAD 0.00010 and 0.00011; TOPMed 0.00029.
gnomAD v4.1: 62 of 1,613,616 alleles (0.0038%); highest among the groups gnomAD compares: Admixed American, 0.037%; no homozygotes.

Submissions (2):

Labcorp Genetics (formerly Invitae), Labcorp
Classification: Likely benign. Last evaluated: 2026-01-13. Review status: criteria provided, single submitter. Criteria: Invitae Variant Classification Sherloc (09022015). Collection method: clinical testing. Allele origin: germline.

PreventionGenetics, part of Exact Sciences
Classification: Likely benign for PCLO-related condition. Last evaluated: 2023-04-07. Review status: no assertion criteria provided. Collection method: clinical testing. Allele origin: germline. Not counted in ClinVar's aggregate classification.
Comment: This variant is classified as likely benign based on ACMG/AMP sequence variant interpretation guidelines (Richards et al. 2015 PMID: 25741868, with internal and published modifications).